The following is an entry in ClinVar:

ClinVar aggregate classification (germline): Uncertain significance (1 of 4 stars; one submission).

Submission:

Labcorp Genetics (formerly Invitae), Labcorp
Classification: Uncertain significance. Last evaluated: 2024-06-16. Review status: criteria provided, single submitter. Criteria: Invitae Variant Classification Sherloc (09022015). Collection method: clinical testing. Allele origin: germline.
Comment: This sequence change replaces proline, which is neutral and non-polar, with threonine, which is neutral and polar, at codon 802 of the TOP2B protein (p.Pro802Thr). This variant is not present in population databases (gnomAD no frequency). This variant has not been reported in the literature in individuals affected with TOP2B-related conditions. An algorithm developed to predict the effect of missense changes on protein structure and function (PolyPhen-2) suggests that this variant is likely to be disruptive. In summary, the available evidence is currently insufficient to determine the role of this variant in disease. Therefore, it has been classified as a Variant of Uncertain Significance.

NM_001330700.2(TOP2B):c.2419C>A (p.Pro807Thr)

Gene: TOP2B (DNA topoisomerase II beta; minus strand). Cytogenetic location: 3p24.2.
Variant type: single nucleotide variant.
Coding change: c.2419C>A on transcript NM_001330700.2 (MANE Select); coding-DNA position 2419, C replaced by A.
Protein change: p.Pro807Thr; replaces proline 807 with threonine.
Molecular consequence: missense variant.
Genome position (GRCh38, 1-based): chr3:25,624,373, G>T on the plus strand (C>A on the coding strand, the complement: TOP2B is on the minus strand). VCF-style: chr3-25624373-G-T. GRCh37 (hg19) VCF-style: chr3-25665864-G-T.
Other names: c.2404C>A, p.Pro802Thr (NM_001068.3); short protein forms P807T, P802T.
Identifiers: ClinVar variation 3656129 (VCV003656129.2).